The following is an entry in ClinVar:

NM_001374385.1(ATP8B1):c.163C>T (p.Arg55Trp)

Gene: ATP8B1 (ATPase phospholipid transporting 8B1; minus strand). Cytogenetic location: 18q21.31.
Variant type: single nucleotide variant.
Coding change: c.163C>T on transcript NM_001374385.1 (MANE Select); coding-DNA position 163, C replaced by T.
Protein change: p.Arg55Trp; replaces arginine 55 with tryptophan.
Molecular consequence: missense variant. On other transcripts: synonymous variant (1).
Genome position (GRCh38, 1-based): chr18:57,731,645, G>A on the plus strand (C>T on the coding strand, the complement: ATP8B1 is on the minus strand). VCF-style: chr18-57731645-G-A. GRCh37 (hg19) VCF-style: chr18-55398877-G-A.
Other names: c.111C>T, p.Thr37= (NM_001374386.1); c.163C>T, p.Arg55Trp (NM_005603.6); short protein forms R55W.
Identifiers: ClinVar variation 3044471 (VCV003044471.3), dbSNP rs573686134, ClinGen allele CA8974941.

ClinVar aggregate classification (germline): Uncertain significance. Review status: criteria provided, single submitter (1 of 4 stars). 2 submissions from 2 submitters: Uncertain significance (1). 1 of the submissions does not count toward it. Last evaluated 2024-05-02.

Conditions:
Inborn genetic diseases. Identifiers: MedGen C0950123, MeSH D030342.
ATP8B1-related disorder. Also called: ATP8B1-related disorders; ATP8B1-related condition.

Allele frequency attached by ClinVar (database versions not stated): TOPMed 0.00001; ExAC 0.00002; gnomAD 0.00004; 1000 Genomes Project 30x 0.00016; 1000 Genomes Project 0.00020.

Submissions (2):

Ambry Genetics
Classification: Uncertain significance for Inborn genetic diseases. Last evaluated: 2024-05-02. Review status: criteria provided, single submitter. Criteria: Ambry Variant Classification Scheme 2023. Collection method: clinical testing. Allele origin: germline.

PreventionGenetics, part of Exact Sciences
Classification: Uncertain significance for ATP8B1-related condition. Last evaluated: 2024-02-27. Review status: no assertion criteria provided. Collection method: clinical testing. Allele origin: germline. Not counted in ClinVar's aggregate classification.
Comment: The ATP8B1 c.163C>T variant is predicted to result in the amino acid substitution p.Arg55Trp. To our knowledge, this variant has not been reported in the literature. This variant is reported in 0.012% of alleles in individuals of African descent in gnomAD. At this time, the clinical significance of this variant is uncertain due to the absence of conclusive functional and genetic evidence.